The following is an entry in ClinVar:

ClinVar aggregate classification (germline): Uncertain significance (1 of 4 stars; one submission).

Submission:

GeneDx
Classification: Uncertain significance. Last evaluated: 2022-02-14. Review status: criteria provided, single submitter. Criteria: GeneDx Variant Classification Process June 2021. Collection method: clinical testing. Allele origin: germline. Affected: yes.
Comment: Not observed at significant frequency in large population cohorts (gnomAD); In silico analysis supports that this variant does not alter splicing; Has not been previously published as pathogenic or benign to our knowledge

NM_001003694.2(BRPF1):c.2636-12dup

Gene: BRPF1 (bromodomain and PHD finger containing 1; plus strand). Cytogenetic location: 3p25.3.
Variant type: Duplication.
Coding change: c.2636-12dup on transcript NM_001003694.2 (MANE Select); 12 bases into the intron before coding-DNA position 2636, one base duplicated (T; older notation c.2636-12dupT).
Molecular consequence: intron variant.
Genome position (GRCh38, 1-based): chr3:9,744,212, T duplicated; the last of 3 consecutive T bases (chr3:9,744,210-9,744,212); duplicating any one gives the same sequence. VCF-style (leftmost placement, unchanged base first): chr3-9744209-C-CT. GRCh37 (hg19) VCF-style: chr3-9785893-C-CT.
Other names: c.2618-12dup (NM_004634.3); c.2617+311dup (NM_001319049.2); c.2615-12dup (NM_001319050.2).
Identifiers: ClinVar variation 1700537 (VCV001700537.2), dbSNP rs765063481, ClinGen allele CA2580070612.